The following is an entry in ClinVar:

NM_012330.4(KAT6B):c.5059G>A (p.Asp1687Asn)

Gene: KAT6B (lysine acetyltransferase 6B; plus strand). Cytogenetic location: 10q22.2.
Variant type: single nucleotide variant.
Coding change: c.5059G>A on transcript NM_012330.4 (MANE Select); coding-DNA position 5059, G replaced by A.
Protein change: p.Asp1687Asn; replaces aspartic acid 1687 with asparagine.
Molecular consequence: missense variant.
Genome position (GRCh38, 1-based): chr10:75,029,883, G>A. VCF-style: chr10-75029883-G-A. GRCh37 (hg19) VCF-style: chr10-76789641-G-A.
Other names: c.4510G>A, p.Asp1504Asn (NM_001256468.2, NM_001370138.1); c.4183G>A, p.Asp1395Asn (NM_001256469.2, NM_001370139.1, NM_001370140.1 and 2 more transcripts); c.4021G>A, p.Asp1341Asn (NM_001370132.1); c.3370G>A, p.Asp1124Asn (NM_001370133.1); c.2974G>A, p.Asp992Asn (NM_001370134.1); c.2716G>A, p.Asp906Asn (NM_001370135.1); c.5059G>A, p.Asp1687Asn (NM_001370136.1, NM_001370137.1); c.3994G>A, p.Asp1332Asn (NM_001370143.1, NM_001370144.1); short protein forms D1124N, D1332N, D1341N, D1395N, D1504N, D1687N, D906N, D992N.
Identifiers: ClinVar variation 4530963 (VCV004530963.1).
Genomic context (GRCh38, chr10:75,029,883, plus strand): 5'-TTTAGTGACCTGGGCAGTATCGAGAGCACAACTGAGAACTACGAAAACCCAAGCAGCTAC[G>A]ATTCTACTATGGGAGGCAGCATCTGTGGAAACGGCTCTTCACAGAACAGCTGCTCCTATA-3'
Protein context (NP_036462.2, residues 1677-1697): TENYENPSSY[Asp1687Asn]STMGGSICGN

ClinVar aggregate classification (germline): Uncertain significance (1 of 4 stars; one submission).

Submission:

GeneDx
Classification: Uncertain significance. Last evaluated: 2025-05-20. Review status: criteria provided, single submitter. Criteria: GeneDx Variant Classification Process June 2021. Collection method: clinical testing. Allele origin: germline. Affected: yes.
Comment: Not observed at significant frequency in large population cohorts (gnomAD); In silico analysis supports that this missense variant has a deleterious effect on protein structure/function; Has not been previously published as pathogenic or benign to our knowledge